The following is an entry in ClinVar:

ClinVar aggregate classification (germline): Uncertain significance (1 of 4 stars; one submission).

Allele frequency attached by ClinVar (database versions not stated): gnomAD exomes below 0.00001; ExAC 0.00001.

Submission:

Labcorp Genetics (formerly Invitae), Labcorp
Classification: Uncertain significance. Last evaluated: 2024-04-24. Review status: criteria provided, single submitter. Criteria: Invitae Variant Classification Sherloc (09022015). Collection method: clinical testing. Allele origin: germline.
Comment: This sequence change replaces lysine, which is basic and polar, with glutamine, which is neutral and polar, at codon 480 of the MBD4 protein (p.Lys480Gln). This variant is present in population databases (rs760825888, gnomAD 0.0009%). This variant has not been reported in the literature in individuals affected with MBD4-related conditions. Algorithms developed to predict the effect of missense changes on protein structure and function output the following: SIFT: "Not Available"; PolyPhen-2: "Benign"; Align-GVGD: "Not Available". The glutamine amino acid residue is found in multiple mammalian species, which suggests that this missense change does not adversely affect protein function. In summary, the available evidence is currently insufficient to determine the role of this variant in disease. Therefore, it has been classified as a Variant of Uncertain Significance.

NM_001276270.2(MBD4):c.1420A>C (p.Lys474Gln)

Gene: MBD4 (methyl-CpG binding domain 4, DNA glycosylase; minus strand). Cytogenetic location: 3q21.3.
Variant type: single nucleotide variant.
Coding change: c.1420A>C on transcript NM_001276270.2 (MANE Select); coding-DNA position 1420, A replaced by C.
Protein change: p.Lys474Gln; replaces lysine 474 with glutamine.
Molecular consequence: missense variant.
Genome position (GRCh38, 1-based): chr3:129,433,221, T>G on the plus strand (A>C on the coding strand, the complement: MBD4 is on the minus strand). VCF-style: chr3-129433221-T-G. GRCh37 (hg19) VCF-style: chr3-129152064-T-G.
Other names: c.1438A>C, p.Lys480Gln (NM_001276271.2, NM_001276272.2, NM_003925.3); c.484A>C, p.Lys162Gln (NM_001276273.2); short protein forms K474Q, K162Q, K480Q.
Identifiers: ClinVar variation 2705676 (VCV002705676.3), dbSNP rs760825888, ClinGen allele CA2605291.